The following is an entry in ClinVar:

ClinVar aggregate classification (germline): Uncertain significance (1 of 4 stars; one submission).

Conditions:
Regional enteritis. Also called: Enteritis, Granulomatous. Identifiers: MedGen C0678202, MeSH D003424.
Blau syndrome (BLAUS). Also called: GRANULOMATOSIS, FAMILIAL JUVENILE SYSTEMIC; GRANULOMATOSIS, FAMILIAL, BLAU TYPE; GRANULOMATOUS INFLAMMATORY ARTHRITIS, DERMATITIS, AND UVEITIS, FAMILIAL; JABS SYNDROME; ARTHROCUTANEOUVEAL GRANULOMATOSIS. Identifiers: Orphanet 90340, MedGen C5201146, MONDO:0008523, OMIM 186580.

gnomAD v4.1: 1 of 1,613,306 alleles (0.000062%); no homozygotes.

Submission:

Labcorp Genetics (formerly Invitae), Labcorp
Classification: Uncertain significance for Regional enteritis; Blau syndrome. Last evaluated: 2022-09-01. Review status: criteria provided, single submitter. Criteria: Invitae Variant Classification Sherloc (09022015). Collection method: clinical testing. Allele origin: germline.
Comment: This sequence change replaces proline, which is neutral and non-polar, with leucine, which is neutral and non-polar, at codon 537 of the NOD2 protein (p.Pro537Leu). In summary, the available evidence is currently insufficient to determine the role of this variant in disease. Therefore, it has been classified as a Variant of Uncertain Significance. Advanced modeling of protein sequence and biophysical properties (such as structural, functional, and spatial information, amino acid conservation, physicochemical variation, residue mobility, and thermodynamic stability) performed at Invitae indicates that this missense variant is not expected to disrupt NOD2 protein function. ClinVar contains an entry for this variant (Variation ID: 948438). This variant has not been reported in the literature in individuals affected with NOD2-related conditions. This variant is not present in population databases (gnomAD no frequency).

NM_001370466.1(NOD2):c.1529C>T (p.Pro510Leu)

Gene: NOD2 (nucleotide binding oligomerization domain containing 2; plus strand). Cytogenetic location: 16q12.1.
Variant type: single nucleotide variant.
Coding change: c.1529C>T on transcript NM_001370466.1 (MANE Select); coding-DNA position 1529, C replaced by T.
Protein change: p.Pro510Leu; replaces proline 510 with leucine.
Molecular consequence: missense variant. On other transcripts: non-coding transcript variant (1).
Genome position (GRCh38, 1-based): chr16:50,711,521, C>T. VCF-style: chr16-50711521-C-T. GRCh37 (hg19) VCF-style: chr16-50745432-C-T.
Other names: c.1529C>T, p.Pro510Leu (NM_001293557.2); c.1610C>T, p.Pro537Leu (NM_022162.3); short protein forms P537L, P510L.
Identifiers: ClinVar variation 948438 (VCV000948438.10), dbSNP rs1567392735, ClinGen allele CA395869269.